The following is an entry in ClinVar:

NM_001182.5(ALDH7A1):c.518-110del

Gene: ALDH7A1 (aldehyde dehydrogenase 7 family member A1; minus strand). Cytogenetic location: 5q23.2.
Variant type: Deletion.
Coding change: c.518-110del on transcript NM_001182.5 (MANE Select); 110 bases into the intron before coding-DNA position 518, one base deleted (A; older notation c.518-110delA).
Molecular consequence: intron variant.
Genome position (GRCh38, 1-based): chr5:126,577,321, T deleted on the plus strand (A on the coding strand, the reverse complement: ALDH7A1 is on the minus strand). VCF-style (leftmost placement, unchanged base first): chr5-126577320-GT-G. GRCh37 (hg19) VCF-style: chr5-125913012-GT-G.
Other names: c.518-110del (NM_001202404.2); c.434-110del (NM_001201377.2).
Identifiers: ClinVar variation 675049 (VCV000675049.1), dbSNP rs35617751, ClinGen allele CA126909973.

ClinVar aggregate classification (germline): Benign (1 of 4 stars; one submission).

Allele frequency attached by ClinVar (database versions not stated): 1000 Genomes Project 0.07568; 1000 Genomes Project 30x 0.07636; gnomAD exomes 0.09376; gnomAD 0.09783 and 0.09954; TOPMed 0.09855.

Submission:

GeneDx
Classification: Benign. Last evaluated: 2018-06-14. Review status: criteria provided, single submitter. Criteria: GeneDx Variant Classification (06012015). Collection method: clinical testing. Allele origin: germline. Affected: yes.
Comment: This variant is considered likely benign or benign based on one or more of the following criteria: it is a conservative change, it occurs at a poorly conserved position in the protein, it is predicted to be benign by multiple in silico algorithms, and/or has population frequency not consistent with disease.